The following is an entry in ClinVar:

ClinVar aggregate classification (germline): Uncertain significance. Review status: criteria provided, multiple submitters, no conflicts (2 of 4 stars). 3 submissions from 2 submitters: Uncertain significance (3). Last evaluated 2022-08-21.

Conditions:
Tangier disease (TGD). Also called: HIGH DENSITY LIPOPROTEIN DEFICIENCY, TANGIER TYPE; HIGH DENSITY LIPOPROTEIN DEFICIENCY, TYPE 1; Cholesterol thesaurismosis. Identifiers: Orphanet 31150, MedGen C0039292, MONDO:0008783, OMIM 205400.
Hypoalphalipoproteinemia, primary, 1. Identifiers: Orphanet 425, MedGen C5231558, MONDO:0011393, OMIM 604091.

Allele frequency attached by ClinVar (database versions not stated): gnomAD exomes below 0.00001; TOPMed 0.00001.
gnomAD v4.1: 1 of 1,614,224 alleles (0.000062%); highest among the groups gnomAD compares: Admixed American, 0.0017%; no homozygotes.

Submissions (3):

Labcorp Genetics (formerly Invitae), Labcorp
Classification: Uncertain significance. Last evaluated: 2022-08-21. Review status: criteria provided, single submitter. Criteria: Invitae Variant Classification Sherloc (09022015). Collection method: clinical testing. Allele origin: germline.
Comment: In summary, the available evidence is currently insufficient to determine the role of this variant in disease. Therefore, it has been classified as a Variant of Uncertain Significance. Algorithms developed to predict the effect of missense changes on protein structure and function are either unavailable or do not agree on the potential impact of this missense change (SIFT: "Deleterious"; PolyPhen-2: "Benign"; Align-GVGD: "Class C0"). ClinVar contains an entry for this variant (Variation ID: 914344). This variant has not been reported in the literature in individuals affected with ABCA1-related conditions. This variant is present in population databases (no rsID available, gnomAD 0.003%). This sequence change replaces leucine, which is neutral and non-polar, with phenylalanine, which is neutral and non-polar, at codon 1362 of the ABCA1 protein (p.Leu1362Phe).

Illumina Laboratory Services, Illumina
Classification: Uncertain significance for Hypoalphalipoproteinemia, primary, 1. Last evaluated: 2018-01-13. Review status: criteria provided, single submitter. Criteria: ICSL Variant Classification Criteria 13 December 2019. Collection method: clinical testing. Allele origin: germline.

Illumina Laboratory Services, Illumina
Classification: Uncertain significance for Tangier disease. Last evaluated: 2018-01-13. Review status: criteria provided, single submitter. Criteria: ICSL Variant Classification Criteria 13 December 2019. Collection method: clinical testing. Allele origin: germline.

NM_005502.4(ABCA1):c.4084C>T (p.Leu1362Phe)

Genes: ABCA1 (ATP binding cassette subfamily A member 1; minus strand), LOC121331340 (Sharpr-MPRA regulatory region 1797; plus strand). Cytogenetic location: 9q31.1.
Variant type: single nucleotide variant.
Coding change: c.4084C>T on transcript NM_005502.4 (MANE Select); coding-DNA position 4084, C replaced by T.
Protein change: p.Leu1362Phe; replaces leucine 1362 with phenylalanine.
Molecular consequence: missense variant.
Genome position (GRCh38, 1-based): chr9:104,810,891, G>A on the plus strand (C>T on the coding strand, the complement: ABCA1 is on the minus strand). VCF-style: chr9-104810891-G-A. GRCh37 (hg19) VCF-style: chr9-107573172-G-A.
Other names: short protein forms L1362F.
Identifiers: ClinVar variation 914344 (VCV000914344.8), dbSNP rs1364173135, ClinGen allele CA374316893.